The following is an entry in ClinVar:

ClinVar aggregate classification (germline): Pathogenic (1 of 4 stars; one submission).

Conditions:
Developmental and epileptic encephalopathy. Identifiers: MedGen C5779964, MONDO:0100620.

Submission:

Labcorp Genetics (formerly Invitae), Labcorp
Classification: Pathogenic for Early-infantile DEE. Last evaluated: 2020-08-03. Review status: criteria provided, single submitter. Criteria: Invitae Variant Classification Sherloc (09022015). Collection method: clinical testing. Allele origin: germline.
Comment: This sequence change creates a premature translational stop signal (p.Arg865Leufs*12) in the SCN1A gene. It is expected to result in an absent or disrupted protein product. This variant is not present in population databases (ExAC no frequency). This variant has not been reported in the literature in individuals with SCN1A-related conditions. Loss-of-function variants in SCN1A are known to be pathogenic (PMID: 17347258, 18930999). For these reasons, this variant has been classified as Pathogenic.

Literature cited by the submitters: PubMed 17347258; PubMed 18930999.

NM_001165963.4(SCN1A):c.2595del (p.Val866fs)

Gene: SCN1A (sodium voltage-gated channel alpha subunit 1; minus strand). Cytogenetic location: 2q24.3.
Variant type: Deletion.
Coding change: c.2595del on transcript NM_001165963.4 (MANE Select); coding-DNA position 2595, one base deleted (A; older notation c.2595delA).
Protein change: p.Val866fs; shifts the reading frame from valine 866.
Molecular consequence: frameshift variant. On other transcripts: non-coding transcript variant (1).
Genome position (GRCh38, 1-based): chr2:166,038,127, T deleted on the plus strand (A on the coding strand, the reverse complement: SCN1A is on the minus strand). VCF-style (leftmost placement, unchanged base first): chr2-166038126-CT-C. GRCh37 (hg19) VCF-style: chr2-166894636-CT-C.
Other names: c.2511del, p.Val838fs (NM_001165964.3, NM_001353957.2, NM_001353958.2); c.2595del, p.Val866fs (NM_001202435.3, NM_001353948.2); c.2562del, p.Val855fs (NM_001353949.2, NM_001353950.2, NM_001353951.2 and 2 more transcripts); c.2559del, p.Val854fs (NM_001353954.2, NM_001353955.2); c.2508del, p.Val837fs (NM_001353960.2); c.153del, p.Val52fs (NM_001353961.2); short protein forms V52fs, V837fs, V838fs, V854fs, V855fs, V866fs.
Identifiers: ClinVar variation 1075348 (VCV001075348.3), dbSNP rs2105808860, ClinGen allele CA2499215194.